The following is an entry in ClinVar:

ClinVar aggregate classification (germline): Conflicting classifications of pathogenicity. Review status: criteria provided, conflicting classifications (1 of 4 stars). 3 submissions from 3 submitters: Uncertain significance (1); Likely benign (2). Last evaluated 2024-09-05.

Conditions:
FG syndrome (FGS). Identifiers: MedGen C0220769, MONDO:0002010.
Familial thoracic aortic aneurysm and aortic dissection (TAAD). Also called: Thoracic aortic aneurysms and dissections. Identifiers: Orphanet 91387, MedGen C4707243, MONDO:0019625.

Allele frequency attached by ClinVar (database versions not stated): gnomAD exomes below 0.00001; gnomAD 0.00001; TOPMed 0.00001.
gnomAD v4.1: 3 of 1,209,539 alleles (0.00025%); highest among the groups gnomAD compares: Non-Finnish European, 0.00034%; no homozygotes.

Submissions (3):

Ambry Genetics
Classification: Likely benign for Familial thoracic aortic aneurysm and aortic dissection. Last evaluated: 2024-09-05. Review status: criteria provided, single submitter. Criteria: Ambry Variant Classification Scheme 2023. Collection method: clinical testing. Allele origin: germline.

Labcorp Genetics (formerly Invitae), Labcorp
Classification: Uncertain significance for FG syndrome. Last evaluated: 2022-02-20. Review status: criteria provided, single submitter. Criteria: Invitae Variant Classification Sherloc (09022015). Collection method: clinical testing. Allele origin: germline.
Comment: Algorithms developed to predict the effect of sequence changes on RNA splicing suggest that this variant may disrupt the consensus splice site. In summary, the available evidence is currently insufficient to determine the role of this variant in disease. Therefore, it has been classified as a Variant of Uncertain Significance. ClinVar contains an entry for this variant (Variation ID: 1200690). This variant has not been reported in the literature in individuals affected with MED12-related conditions. This variant is not present in population databases (gnomAD no frequency). This sequence change affects codon 1984 of the MED12 mRNA. It is a 'silent' change, meaning that it does not change the encoded amino acid sequence of the MED12 protein.

GeneDx
Classification: Likely benign. Last evaluated: 2019-04-15. Review status: criteria provided, single submitter. Criteria: GeneDx Variant Classification Process June 2021. Collection method: clinical testing. Allele origin: germline. Affected: yes.

NM_005120.3(MED12):c.5952T>C (p.Leu1984=)

Gene: MED12 (mediator complex subunit 12; plus strand). Cytogenetic location: Xq13.1.
Variant type: single nucleotide variant.
Coding change: c.5952T>C on transcript NM_005120.3 (MANE Select); coding-DNA position 5952, T replaced by C.
Protein change: p.Leu1984=; no amino-acid change (leucine 1984 retained).
Molecular consequence: synonymous variant.
Genome position (GRCh38, 1-based): chrX:71,137,851, T>C. VCF-style: chrX-71137851-T-C. GRCh37 (hg19) VCF-style: chrX-70357701-T-C.
Identifiers: ClinVar variation 1200690 (VCV001200690.9), dbSNP rs2092336597, ClinGen allele CA516727691.